The following is an entry in ClinVar:

NM_025179.4(PLXNA2):c.4653G>A (p.Met1551Ile)

Gene: PLXNA2 (plexin A2; minus strand). Cytogenetic location: 1q32.2.
Variant type: single nucleotide variant.
Coding change: c.4653G>A on transcript NM_025179.4 (MANE Select); coding-DNA position 4653, G replaced by A.
Protein change: p.Met1551Ile; replaces methionine 1551 with isoleucine.
Molecular consequence: missense variant.
Genome position (GRCh38, 1-based): chr1:208,038,832, C>T on the plus strand (G>A on the coding strand, the complement: PLXNA2 is on the minus strand). VCF-style: chr1-208038832-C-T. GRCh37 (hg19) VCF-style: chr1-208212177-C-T.
Other names: short protein forms M1551I.
Identifiers: ClinVar variation 4569750 (VCV004569750.3).

ClinVar aggregate classification (germline): Uncertain significance. Review status: criteria provided, multiple submitters, no conflicts (2 of 4 stars). 3 submissions from 3 submitters: Uncertain significance (3). Last evaluated 2025-11-25.

Conditions:
PLXNA2-related disorder. Also called: PLXNA2-related condition.

Submissions (3):

Ambry Genetics
Classification: Uncertain significance. Last evaluated: 2025-11-25. Review status: criteria provided, single submitter. Criteria: Ambry Variant Classification Scheme 2023. Collection method: clinical testing. Allele origin: germline.

Labcorp Genetics (formerly Invitae), Labcorp
Classification: Uncertain significance. Last evaluated: 2025-09-04. Review status: criteria provided, single submitter. Criteria: Invitae Variant Classification Sherloc (09022015). Collection method: clinical testing. Allele origin: germline.
Comment: This sequence change replaces methionine, which is neutral and non-polar, with isoleucine, which is neutral and non-polar, at codon 1551 of the PLXNA2 protein (p.Met1551Ile). This variant is present in population databases (rs763055170, gnomAD 0.1%), and has an allele count higher than expected for a pathogenic variant. This variant has not been reported in the literature in individuals affected with PLXNA2-related conditions. Invitae Evidence Modeling of protein sequence and biophysical properties (such as structural, functional, and spatial information, amino acid conservation, physicochemical variation, residue mobility, and thermodynamic stability) indicates that this missense variant is not expected to disrupt PLXNA2 protein function with a negative predictive value of 80%. In summary, the available evidence is currently insufficient to determine the role of this variant in disease. Therefore, it has been classified as a Variant of Uncertain Significance.

PreventionGenetics, part of Exact Sciences
Classification: Uncertain significance for PLXNA2-related condition. Last evaluated: 2024-11-23. Review status: criteria provided, single submitter. Criteria: ACMG Guidelines, 2015. Collection method: clinical testing. Allele origin: germline.
Comment: The PLXNA2 c.4653G>A variant is predicted to result in the amino acid substitution p.Met1551Ile. To our knowledge, this variant has not been reported in the literature. This variant is reported in 0.14% of alleles in individuals of Ashkenazi Jewish descent in gnomAD. Although we suspect that this variant may be benign, at this time, the clinical significance of this variant is uncertain due to the absence of conclusive functional and genetic evidence.